The following is an entry in ClinVar:

ClinVar aggregate classification (germline): Uncertain significance (1 of 4 stars; one submission).

Submission:

Labcorp Genetics (formerly Invitae), Labcorp
Classification: Uncertain significance. Last evaluated: 2022-01-27. Review status: criteria provided, single submitter. Criteria: Invitae Variant Classification Sherloc (09022015). Collection method: clinical testing. Allele origin: germline.
Comment: In summary, the available evidence is currently insufficient to determine the role of this variant in disease. Therefore, it has been classified as a Variant of Uncertain Significance. Algorithms developed to predict the effect of missense changes on protein structure and function are either unavailable or do not agree on the potential impact of this missense change (SIFT: "Deleterious"; PolyPhen-2: "Possibly Damaging"; Align-GVGD: "Class C0"). This variant has not been reported in the literature in individuals affected with CREB3L1-related conditions. This variant is not present in population databases (gnomAD no frequency). This sequence change replaces proline, which is neutral and non-polar, with leucine, which is neutral and non-polar, at codon 408 of the CREB3L1 protein (p.Pro408Leu).

NM_052854.4(CREB3L1):c.1223C>T (p.Pro408Leu)

Gene: CREB3L1 (cAMP responsive element binding protein 3 like 1; plus strand). Cytogenetic location: 11p11.2.
Variant type: single nucleotide variant.
Coding change: c.1223C>T on transcript NM_052854.4 (MANE Select); coding-DNA position 1223, C replaced by T.
Protein change: p.Pro408Leu; replaces proline 408 with leucine.
Molecular consequence: missense variant.
Genome position (GRCh38, 1-based): chr11:46,317,452, C>T. VCF-style: chr11-46317452-C-T. GRCh37 (hg19) VCF-style: chr11-46339003-C-T.
Other names: short protein forms P408L.
Identifiers: ClinVar variation 1904816 (VCV001904816.5), dbSNP rs2496183245, ClinGen allele CA380224777.